The following is an entry in ClinVar:

ClinVar aggregate classification (germline): Uncertain significance (1 of 4 stars; one submission).

gnomAD v4.1: 4 of 1,611,622 alleles (0.00025%); highest among the groups gnomAD compares: Admixed American, 0.005%; no homozygotes.

Submission:

GeneDx
Classification: Uncertain significance. Last evaluated: 2024-01-22. Review status: criteria provided, single submitter. Criteria: GeneDx Variant Classification Process June 2021. Collection method: clinical testing. Allele origin: germline. Affected: yes.
Comment: Not observed at significant frequency in large population cohorts (gnomAD); In silico analysis supports that this missense variant has a deleterious effect on protein structure/function; Has not been previously published as pathogenic or benign to our knowledge

NM_006922.4(SCN3A):c.5900C>T (p.Pro1967Leu)

Gene: SCN3A (sodium voltage-gated channel alpha subunit 3; minus strand). Cytogenetic location: 2q24.3.
Variant type: single nucleotide variant.
Coding change: c.5900C>T on transcript NM_006922.4 (MANE Select); coding-DNA position 5900, C replaced by T.
Protein change: p.Pro1967Leu; replaces proline 1967 with leucine.
Molecular consequence: missense variant.
Genome position (GRCh38, 1-based): chr2:165,090,253, G>A on the plus strand (C>T on the coding strand, the complement: SCN3A is on the minus strand). VCF-style: chr2-165090253-G-A. GRCh37 (hg19) VCF-style: chr2-165946763-G-A.
Other names: c.5753C>T, p.Pro1918Leu (NM_001081676.2, NM_001081677.2); short protein forms P1918L, P1967L.
Identifiers: ClinVar variation 3368092 (VCV003368092.1).